The following is an entry in ClinVar:

NM_016156.6(MTMR2):c.1805C>G (p.Ala602Gly)

Gene: MTMR2 (myotubularin related protein 2; minus strand). Cytogenetic location: 11q21.
Variant type: single nucleotide variant.
Coding change: c.1805C>G on transcript NM_016156.6 (MANE Select); coding-DNA position 1805, C replaced by G.
Protein change: p.Ala602Gly; replaces alanine 602 with glycine.
Molecular consequence: missense variant.
Genome position (GRCh38, 1-based): chr11:95,835,417, G>C on the plus strand (C>G on the coding strand, the complement: MTMR2 is on the minus strand). VCF-style: chr11-95835417-G-C. GRCh37 (hg19) VCF-style: chr11-95568581-G-C.
Other names: p.Ala602Gly; c.1589C>G, p.Ala530Gly (NM_001243571.2, NM_201278.3, NM_201281.3); short protein forms A602G, A530G.
Identifiers: ClinVar variation 306535 (VCV000306535.26), dbSNP rs76784113, ClinGen allele CA6239849.

ClinVar aggregate classification (germline): Benign/Likely benign. Review status: criteria provided, multiple submitters, no conflicts (2 of 4 stars). 8 submissions from 8 submitters: Benign (6); Likely benign (1). 1 of the submissions does not count toward it. Last evaluated 2026-01-19.

Conditions:
MTMR2-related disorder. Also called: MTMR2-related condition.
Charcot-Marie-Tooth disease type 4B1. Also called: CHARCOT-MARIE-TOOTH DISEASE, DEMYELINATING, TYPE 4B1; CHARCOT-MARIE-TOOTH DISEASE, AUTOSOMAL RECESSIVE, WITH FOCALLY FOLDED MYELIN SHEATHS, AUTOSOMAL RECESSIVE, TYPE 4B1; CHARCOT-MARIE-TOOTH DISEASE, TYPE 4B; Charcot-Marie-Tooth Neuropathy Type 4B1. Identifiers: Orphanet 99955, MedGen C1832399, MONDO:0011066, OMIM 601382.
Charcot-Marie-Tooth disease. Also called: Charcot-Marie-Tooth Neuropathy; Charcot-Marie-Tooth Hereditary Neuropathy. Identifiers: Orphanet 166, MedGen C0007959, MONDO:0015626.
Charcot-Marie-Tooth disease type 4. Also called: Charcot-Marie-Tooth disease, type IV; Charcot-Marie-Tooth, Type 4. Identifiers: Orphanet 64749, MedGen C4082197, MONDO:0018995.

Allele frequency attached by ClinVar (database versions not stated): gnomAD 0.00069 and 0.00101; TOPMed 0.00104; gnomAD exomes 0.00212; ExAC 0.00222; 1000 Genomes Project 30x 0.00437; 1000 Genomes Project 0.00499.
gnomAD v4.1: 1,369 of 1,613,024 alleles (0.085%); highest among the groups gnomAD compares: East Asian, 2.8%; 32 homozygotes.

Submissions (8):

Labcorp Genetics (formerly Invitae), Labcorp
Classification: Benign for Charcot-Marie-Tooth disease type 4. Last evaluated: 2026-01-19. Review status: criteria provided, single submitter. Criteria: Invitae Variant Classification Sherloc (09022015). Collection method: clinical testing. Allele origin: germline.

Mayo Clinic Laboratories, Mayo Clinic
Classification: Benign. Last evaluated: 2025-04-22. Review status: criteria provided, single submitter. Criteria: ACMG Guidelines, 2015. Collection method: clinical testing. Allele origin: germline. Observed: 1 variant allele.
Comment: BS1, BS2

ARUP Laboratories, Molecular Genetics and Genomics, ARUP Laboratories
Classification: Benign for Charcot-Marie-Tooth disease type 4B1. Last evaluated: 2025-04-01. Review status: criteria provided, single submitter. Criteria: ARUP Molecular Germline Variant Investigation Process 2024. Collection method: clinical testing. Allele origin: germline.

PreventionGenetics, part of Exact Sciences
Classification: Benign for MTMR2-related condition. Last evaluated: 2025-03-28. Review status: criteria provided, single submitter. Criteria: ACMG Guidelines, 2015. Collection method: clinical testing. Allele origin: germline.
Comment: This variant is classified as benign based on ACMG/AMP sequence variant interpretation guidelines (Richards et al. 2015 PMID: 25741868, with internal and published modifications).

Athena Diagnostics
Classification: Benign. Last evaluated: 2020-03-11. Review status: criteria provided, single submitter. Criteria: Athena Diagnostics Criteria. Collection method: clinical testing. Allele origin: unknown.

Illumina Laboratory Services, Illumina
Classification: Likely benign for Charcot-Marie-Tooth disease type 4B1. Last evaluated: 2017-04-27. Review status: criteria provided, single submitter. Criteria: ICSL Variant Classification Criteria 13 December 2019. Collection method: clinical testing. Allele origin: germline.
Comment: This variant was observed as part of a predisposition screen in an ostensibly healthy population. A literature search was performed for the gene, cDNA change, and amino acid change (where applicable). Publications were found based on this search. The evidence from the literature, in combination with allele frequency data from public databases where available, was sufficient to determine this variant is unlikely to cause disease. Therefore, this variant is classified as likely benign.

GeneDx
Classification: Benign. Last evaluated: 2017-02-08. Review status: criteria provided, single submitter. Criteria: GeneDx Variant Classification (06012015). Collection method: clinical testing. Allele origin: germline. Affected: yes.
Comment: This variant is considered likely benign or benign based on one or more of the following criteria: it is a conservative change, it occurs at a poorly conserved position in the protein, it is predicted to be benign by multiple in silico algorithms, and/or has population frequency not consistent with disease.

Inherited Neuropathy Consortium
Classification: Uncertain significance for Charcot-Marie-Tooth disease. Review status: no assertion criteria provided. Collection method: literature only. Allele origin: germline. Affected: yes. Not counted in ClinVar's aggregate classification.

Literature cited by the submitters: PubMed 11354824 (cited by 3 submitters); PubMed 20981092 (cited by Athena Diagnostics).